The following is an entry in ClinVar:

ClinVar aggregate classification (germline): Likely benign (1 of 4 stars; one submission).

Submission:

GeneDx
Classification: Likely benign. Last evaluated: 2014-09-17. Review status: criteria provided, single submitter. Criteria: GeneDx Variant Classification (06012015). Collection method: clinical testing. Allele origin: germline. Affected: yes.
Comment: This variant is considered likely benign or benign based on one or more of the following criteria: it is a conservative change, it occurs at a poorly conserved position in the protein, it is predicted to be benign by multiple in silico algorithms, and/or has population frequency not consistent with disease.

NM_005431.2(XRCC2):c.40-13C>A

Gene: XRCC2 (X-ray repair cross complementing 2; minus strand). Cytogenetic location: 7q36.1.
Variant type: single nucleotide variant.
Coding change: c.40-13C>A on transcript NM_005431.2 (MANE Select); 13 bases into the intron before coding-DNA position 40, C replaced by A.
Molecular consequence: intron variant.
Genome position (GRCh38, 1-based): chr7:152,660,795, G>T on the plus strand (C>A on the coding strand, the complement: XRCC2 is on the minus strand). VCF-style: chr7-152660795-G-T. GRCh37 (hg19) VCF-style: chr7-152357880-G-T.
Identifiers: ClinVar variation 183000 (VCV000183000.1), dbSNP rs730882045, ClinGen allele CA300483.